The following is an entry in ClinVar:

ClinVar aggregate classification (germline): Uncertain significance (1 of 4 stars; one submission).

Conditions:
Neurofibromatosis, type 1 (NF1). Also called: VON RECKLINGHAUSEN DISEASE; NEUROFIBROMATOSIS, TYPE I, SOMATIC; Neurofibromatosis, type I; Peripheral type neurofibromatosis. Identifiers: Orphanet 636, MedGen C0027831, MONDO:0018975, OMIM 162200. Disease mechanism: loss of function.

Submission:

Labcorp Genetics (formerly Invitae), Labcorp
Classification: Uncertain significance for Neurofibromatosis, type 1. Last evaluated: 2021-05-03. Review status: criteria provided, single submitter. Criteria: Invitae Variant Classification Sherloc (09022015). Collection method: clinical testing. Allele origin: germline.
Comment: This variant is not present in population databases (ExAC no frequency). In summary, the available evidence is currently insufficient to determine the role of this variant in disease. Therefore, it has been classified as a Variant of Uncertain Significance. Algorithms developed to predict the effect of missense changes on protein structure and function are either unavailable or do not agree on the potential impact of this missense change (SIFT: "Deleterious"; PolyPhen-2: "Probably Damaging"; Align-GVGD: "Class C0"). This variant has not been reported in the literature in individuals with NF1-related conditions. This sequence change replaces asparagine with histidine at codon 2638 of the NF1 protein (p.Asn2638His). The asparagine residue is moderately conserved and there is a small physicochemical difference between asparagine and histidine.

NM_001042492.3(NF1):c.7975A>C (p.Asn2659His)

Gene: NF1 (neurofibromin 1; plus strand). Cytogenetic location: 17q11.2.
Variant type: single nucleotide variant.
Coding change: c.7975A>C on transcript NM_001042492.3 (MANE Select); coding-DNA position 7975, A replaced by C.
Protein change: p.Asn2659His; replaces asparagine 2659 with histidine.
Molecular consequence: missense variant.
Genome position (GRCh38, 1-based): chr17:31,358,484, A>C. VCF-style: chr17-31358484-A-C. GRCh37 (hg19) VCF-style: chr17-29685502-A-C.
Other names: c.7912A>C, p.Asn2638His (NM_000267.4); short protein forms N2638H, N2659H.
Identifiers: ClinVar variation 1428914 (VCV001428914.8), dbSNP rs1177245412, ClinGen allele CA399203589.